The following is an entry in ClinVar:

GRCh37/hg19 17p11.2(chr17:16763370-20395611)x1

Genes: EPN2 (epsin 2; plus strand), EVPLL (envoplakin like; plus strand), FAM83G (family with sequence similarity 83 member G; minus strand), FBXW10 (F-box and WD repeat domain containing 10; plus strand), FLCN (folliculin; minus strand) and 45 more. Cytogenetic location: 17p11.2.
Variant type: copy number loss.
Change: copy number 1 (one copy instead of two) of chr17:16,763,370-20,395,611 (3.63 Mb, GRCh37 coordinates, 1-based), cytogenetic band 17p11.2.
Identifiers: ClinVar variation 980115 (VCV000980115.2).

ClinVar aggregate classification (germline): Pathogenic (0 of 4 stars; one submission).

Submission:

Quest Diagnostics Nichols Institute San Juan Capistrano
Classification: Pathogenic. Last evaluated: 2021-05-01. Review status: no assertion criteria provided. Collection method: clinical testing. Allele origin: germline.
Comment: It is characterized by developmental delay, intellectual disability, distinctive facial features progressing with age, and behavioral abnormalities, including sleep disturbance, stereotypies, and self-injuries [Smith et al., GeneReviews [Internet]. Available from an online resource; Elsea SH and Girirajan S. Eur J Hum Genet. 2008 Apr;16(4):412-21. PMID: 18231123).